The following is an entry in ClinVar:

NM_001076.4(UGT2B15):c.1055C>T (p.Thr352Ile)

Gene: UGT2B15 (UDP glucuronosyltransferase family 2 member B15; minus strand). Cytogenetic location: 4q13.2.
Variant type: single nucleotide variant.
Coding change: c.1055C>T on transcript NM_001076.4 (MANE Select); coding-DNA position 1055, C replaced by T.
Protein change: p.Thr352Ile; replaces threonine 352 with isoleucine.
Molecular consequence: missense variant.
Genome position (GRCh38, 1-based): chr4:68,655,133, G>A on the plus strand (C>T on the coding strand, the complement: UGT2B15 is on the minus strand). VCF-style: chr4-68655133-G-A. GRCh37 (hg19) VCF-style: chr4-69520851-G-A.
Other names: short protein forms T352I.
Identifiers: ClinVar variation 5038550 (VCV005038550.1).

ClinVar aggregate classification (germline): Likely benign (1 of 4 stars; one submission).

gnomAD v4.1: 6,605 of 1,613,210 alleles (0.41%); highest among the groups gnomAD compares: South Asian, 0.93%; 29 homozygotes.

Submission:

CeGaT Center for Human Genetics Tuebingen
Classification: Likely benign. Last evaluated: 2026-07-01. Review status: criteria provided, single submitter. Criteria: CeGaT Center For Human Genetics Tuebingen Variant Classification Criteria Version 2. Collection method: clinical testing. Allele origin: germline. Affected: yes. Observed: 1 variant allele.
Comment: UGT2B15: BS2